The following is an entry in ClinVar:

ClinVar aggregate classification (germline): Uncertain significance (1 of 4 stars; one submission).

Conditions:
Inborn genetic diseases. Identifiers: MedGen C0950123, MeSH D030342.

Submission:

Ambry Genetics
Classification: Uncertain significance for Inborn genetic diseases. Last evaluated: 2021-09-16. Review status: criteria provided, single submitter. Criteria: Ambry Variant Classification Scheme 2023. Collection method: clinical testing. Allele origin: germline.
Comment: The p.L303P variant (also known as c.908T>C), located in coding exon 9 of the MDH2 gene, results from a T to C substitution at nucleotide position 908. The leucine at codon 303 is replaced by proline, an amino acid with similar properties. This amino acid position is conserved. In addition, this alteration is predicted to be deleterious by in silico analysis. Since supporting evidence is limited at this time, the clinical significance of this alteration remains unclear.

NM_005918.4(MDH2):c.908T>C (p.Leu303Pro)

Gene: MDH2 (malate dehydrogenase 2; plus strand). Cytogenetic location: 7q11.23.
Variant type: single nucleotide variant.
Coding change: c.908T>C on transcript NM_005918.4 (MANE Select); coding-DNA position 908, T replaced by C.
Protein change: p.Leu303Pro; replaces leucine 303 with proline.
Molecular consequence: missense variant.
Genome position (GRCh38, 1-based): chr7:76,066,301, T>C. VCF-style: chr7-76066301-T-C. GRCh37 (hg19) VCF-style: chr7-75695619-T-C.
Other names: c.782T>C, p.Leu261Pro (NM_001282403.2); c.587T>C, p.Leu196Pro (NM_001282404.2); short protein forms L196P, L303P, L261P.
Identifiers: ClinVar variation 1765743 (VCV001765743.2), dbSNP rs782215508, ClinGen allele CA367769703.